The following is an entry in ClinVar:

NM_001365536.1(SCN9A):c.5785A>G (p.Lys1929Glu)

Genes: SCN1A-AS1 (SCN1A and SCN9A antisense RNA 1; plus strand), SCN9A (sodium voltage-gated channel alpha subunit 9; minus strand). Cytogenetic location: 2q24.3.
Variant type: single nucleotide variant.
Coding change: c.5785A>G on transcript NM_001365536.1 (MANE Select); coding-DNA position 5785, A replaced by G.
Protein change: p.Lys1929Glu; replaces lysine 1929 with glutamic acid.
Molecular consequence: missense variant.
Genome position (GRCh38, 1-based): chr2:166,198,854, T>C on the plus strand (A>G on the coding strand, the complement: SCN9A is on the minus strand). VCF-style: chr2-166198854-T-C. GRCh37 (hg19) VCF-style: chr2-167055364-T-C.
Other names: c.5752A>G, p.Lys1918Glu (NM_002977.4); short protein forms K1918E, K1929E.
Identifiers: ClinVar variation 4789359 (VCV004789359.1).

ClinVar aggregate classification (germline): Uncertain significance (1 of 4 stars; one submission).

Conditions:
Neuropathy, hereditary sensory and autonomic, type 2A (HSAN2A). Also called: ACROOSTEOLYSIS, GIACCAI TYPE; ACROOSTEOLYSIS, NEUROGENIC; MORVAN DISEASE; NEUROPATHY, CONGENITAL SENSORY; NEUROPATHY, HEREDITARY SENSORY RADICULAR, AUTOSOMAL RECESSIVE; NEUROPATHY, HEREDITARY SENSORY, TYPE IIA. Identifiers: Orphanet 970, MedGen C2752089, MONDO:0024309, OMIM 201300.
Generalized epilepsy with febrile seizures plus, type 7 (GEFSP7). Also called: GEFS+, TYPE 7. Identifiers: Orphanet 36387, MedGen C2751778, MONDO:0013470, OMIM 613863.

Submission:

Labcorp Genetics (formerly Invitae), Labcorp
Classification: Uncertain significance for Neuropathy, hereditary sensory and autonomic, type 2A; Generalized epilepsy with febrile seizures plus, type 7. Last evaluated: 2025-07-09. Review status: criteria provided, single submitter. Criteria: Invitae Variant Classification Sherloc (09022015). Collection method: clinical testing. Allele origin: germline.
Comment: This sequence change replaces lysine, which is basic and polar, with glutamic acid, which is acidic and polar, at codon 1918 of the SCN9A protein (p.Lys1918Glu). This variant is not present in population databases (gnomAD no frequency). This variant has not been reported in the literature in individuals affected with SCN9A-related conditions. Invitae Evidence Modeling of protein sequence and biophysical properties (such as structural, functional, and spatial information, amino acid conservation, physicochemical variation, residue mobility, and thermodynamic stability) has been performed for this missense variant. However, the output from this modeling did not meet the statistical confidence thresholds required to predict the impact of this variant on SCN9A protein function. In summary, the available evidence is currently insufficient to determine the role of this variant in disease. Therefore, it has been classified as a Variant of Uncertain Significance.